The following is an entry in ClinVar:

ClinVar aggregate classification (germline): Uncertain significance (1 of 4 stars; one submission).

Allele frequency attached by ClinVar (database versions not stated): gnomAD exomes 0.00002; TOPMed 0.00003.

Submission:

Labcorp Genetics (formerly Invitae), Labcorp
Classification: Uncertain significance. Last evaluated: 2023-10-14. Review status: criteria provided, single submitter. Criteria: Invitae Variant Classification Sherloc (09022015). Collection method: clinical testing. Allele origin: germline.
Comment: This sequence change replaces proline, which is neutral and non-polar, with serine, which is neutral and polar, at codon 298 of the TRAIP protein (p.Pro298Ser). The frequency data for this variant in the population databases is considered unreliable, as metrics indicate poor data quality at this position in the gnomAD database. This variant has not been reported in the literature in individuals affected with TRAIP-related conditions. An algorithm developed to predict the effect of missense changes on protein structure and function (PolyPhen-2) suggests that this variant is likely to be disruptive. In summary, the available evidence is currently insufficient to determine the role of this variant in disease. Therefore, it has been classified as a Variant of Uncertain Significance.

NM_005879.3(TRAIP):c.892C>T (p.Pro298Ser)

Gene: TRAIP (TRAF interacting protein; minus strand). Cytogenetic location: 3p21.31.
Variant type: single nucleotide variant.
Coding change: c.892C>T on transcript NM_005879.3 (MANE Select); coding-DNA position 892, C replaced by T.
Protein change: p.Pro298Ser; replaces proline 298 with serine.
Molecular consequence: missense variant.
Genome position (GRCh38, 1-based): chr3:49,832,061, G>A on the plus strand (C>T on the coding strand, the complement: TRAIP is on the minus strand). VCF-style: chr3-49832061-G-A. GRCh37 (hg19) VCF-style: chr3-49869494-G-A.
Other names: short protein forms P298S.
Identifiers: ClinVar variation 2898185 (VCV002898185.2), dbSNP rs1241235933, ClinGen allele CA352860960.